The following is an entry in ClinVar:

ClinVar aggregate classification (germline): Uncertain significance (1 of 4 stars; one submission).

Conditions:
Tuberous sclerosis 2 (TSC2). Identifiers: Orphanet 805, MedGen C1860707, MONDO:0013199, OMIM 613254.

Submission:

Labcorp Genetics (formerly Invitae), Labcorp
Classification: Uncertain significance for Tuberous sclerosis 2. Last evaluated: 2024-08-28. Review status: criteria provided, single submitter. Criteria: Invitae Variant Classification Sherloc (09022015). Collection method: clinical testing. Allele origin: germline.
Comment: This sequence change replaces valine, which is neutral and non-polar, with glycine, which is neutral and non-polar, at codon 489 of the TSC2 protein (p.Val489Gly). This variant is not present in population databases (gnomAD no frequency). This variant has not been reported in the literature in individuals affected with TSC2-related conditions. Invitae Evidence Modeling of protein sequence and biophysical properties (such as structural, functional, and spatial information, amino acid conservation, physicochemical variation, residue mobility, and thermodynamic stability) indicates that this missense variant is not expected to disrupt TSC2 protein function with a negative predictive value of 95%. In summary, the available evidence is currently insufficient to determine the role of this variant in disease. Therefore, it has been classified as a Variant of Uncertain Significance.

NM_000548.5(TSC2):c.1466T>G (p.Val489Gly)

Gene: TSC2 (TSC complex subunit 2; plus strand). Cytogenetic location: 16p13.3.
Variant type: single nucleotide variant.
Coding change: c.1466T>G on transcript NM_000548.5 (MANE Select); coding-DNA position 1466, T replaced by G.
Protein change: p.Val489Gly; replaces valine 489 with glycine.
Molecular consequence: missense variant. On other transcripts: 5 prime UTR variant (1), non-coding transcript variant (5).
Genome position (GRCh38, 1-based): chr16:2,064,294, T>G. VCF-style: chr16-2064294-T-G. GRCh37 (hg19) VCF-style: chr16-2114295-T-G.
Other names: c.1454T>G, p.Val485Gly (NM_001406673.1, NM_001406671.1); c.1319T>G, p.Val440Gly (NM_001406675.1, NM_001406676.1, NM_001406679.1 and 1 more transcripts); c.1409T>G, p.Val470Gly (NM_001406677.1); c.1355T>G, p.Val452Gly (NM_001406678.1, NM_001318827.2, NM_001406670.1); c.866T>G, p.Val289Gly (NM_001406680.1, NM_001406682.1, NM_001406683.1 and 6 more transcripts); c.1004T>G, p.Val335Gly (NM_001406681.1); c.122T>G, p.Val41Gly (NM_001406693.1, NM_001406694.1, NM_001406695.1 and 6 more transcripts); c.-137T>G (NM_001406698.1); and 3 more; short protein forms V519G, V335G, V440G, V485G, V500G, V289G, V452G, V470G.
Identifiers: ClinVar variation 3637193 (VCV003637193.2).
Genomic context (GRCh38, chr16:2,064,294, plus strand): 5'-TGGGCTGGCGCTCATTGGCCTCCCTTGTGCCTGTGCAGGAGGAGCTGATTAACTCAGTGG[T>G]CATCTCGCAGCTCTCCCACATCCCCGAGGATAAAGACCACCAGGTCCGAAAGCTGGCCAC-3'
Protein context (NP_000539.2, residues 479-499): FYEEELINSV[Val489Gly]ISQLSHIPED